The following is an entry in ClinVar:

ClinVar aggregate classification (germline): Uncertain significance (1 of 4 stars; one submission).

Allele frequency attached by ClinVar (database versions not stated): gnomAD 0.00001; TOPMed 0.00002.
gnomAD v4.1: 1 of 1,613,506 alleles (0.000062%); highest among the groups gnomAD compares: Admixed American, 0.0017%; no homozygotes.

Submission:

Labcorp Genetics (formerly Invitae), Labcorp
Classification: Uncertain significance. Last evaluated: 2023-11-07. Review status: criteria provided, single submitter. Criteria: Invitae Variant Classification Sherloc (09022015). Collection method: clinical testing. Allele origin: germline.
Comment: This sequence change replaces isoleucine, which is neutral and non-polar, with asparagine, which is neutral and polar, at codon 5 of the DLC1 protein (p.Ile5Asn). This variant is not present in population databases (gnomAD no frequency). This variant has not been reported in the literature in individuals affected with DLC1-related conditions. An algorithm developed to predict the effect of missense changes on protein structure and function (PolyPhen-2) suggests that this variant is likely to be disruptive. In summary, the available evidence is currently insufficient to determine the role of this variant in disease. Therefore, it has been classified as a Variant of Uncertain Significance.

NM_182643.3(DLC1):c.14T>A (p.Ile5Asn)

Gene: DLC1 (DLC1 Rho GTPase activating protein; minus strand). Cytogenetic location: 8p22.
Variant type: single nucleotide variant.
Coding change: c.14T>A on transcript NM_182643.3 (MANE Select); coding-DNA position 14, T replaced by A.
Protein change: p.Ile5Asn; replaces isoleucine 5 with asparagine.
Molecular consequence: missense variant. On other transcripts: 5 prime UTR variant (1).
Genome position (GRCh38, 1-based): chr8:13,500,058, A>T on the plus strand (T>A on the coding strand, the complement: DLC1 is on the minus strand). VCF-style: chr8-13500058-A-T. GRCh37 (hg19) VCF-style: chr8-13357567-A-T.
Other names: c.14T>A, p.Ile5Asn (NM_001348081.2, NM_001413124.1, NM_001413125.1 and 1 more transcripts); c.-1438T>A (NM_001348082.2); short protein forms I5N.
Identifiers: ClinVar variation 2869505 (VCV002869505.3), dbSNP rs1277474458, ClinGen allele CA370382804.